The following is an entry in ClinVar:

NM_000535.7(PMS2):c.299_301del (p.Gln100_Val101delinsLeu)

Gene: PMS2 (PMS1 homolog 2, mismatch repair system component; minus strand). Cytogenetic location: 7p22.1.
Variant type: Deletion.
Coding change: c.299_301del on transcript NM_000535.7 (MANE Select); coding-DNA positions 299 to 301, 3 bases deleted (AGG; older notation c.299_301delAGG).
Protein change: p.Gln100_Val101delinsLeu.
Molecular consequence: inframe indel. On other transcripts: 5 prime UTR variant (25), non-coding transcript variant (1), intron variant (11), splice donor variant (10).
Genome position (GRCh38, 1-based): chr7:6,003,742-6,003,744, CCT deleted on the plus strand (AGG on the coding strand, the reverse complement: PMS2 is on the minus strand). VCF-style (leftmost placement, unchanged base first): chr7-6003741-ACCT-A. GRCh37 (hg19) VCF-style: chr7-6043372-ACCT-A.
Other names: c.-107_-105delAGG (NM_001018040.1); c.-107_-105del (NM_001322003.2, NM_001322004.2, NM_001322005.2 and 13 more transcripts); c.299_301del, p.Gln100_Val101delinsLeu (NM_001322006.2, NM_001322014.2, NM_001406869.1 and 8 more transcripts); c.-586_-584del (NM_001322011.2, NM_001322012.2); c.-186_-184del (NM_001322015.2, NM_001406875.1, NM_001406877.1 and 3 more transcripts); c.485_487del, p.Gln162_Val163delinsLeu (NM_001406866.1); c.323_325del, p.Gln108_Val109delinsLeu (NM_001406868.1); c.-97_-95del (NM_001406890.1); and 6 more.
Identifiers: ClinVar variation 2830888 (VCV002830888.3), dbSNP rs2536498036, ClinGen allele CA2739265463.
Genomic context (GRCh38, chr7:6,003,741, plus strand): 5'-TTGTATCACCTCAGTGCACAAAGTGAGCTCAGAGCTTCCCCCCGAAAGCCAAAAGTTTCA[ACCT>A]GAGTTAGGTCGGCAAACTCTTGAATCTTAGATGTGTGATGTTTCAGAGCTGAAAGAGAGT-3'

ClinVar aggregate classification (germline): Uncertain significance (1 of 4 stars; one submission).

Conditions:
Hereditary nonpolyposis colorectal neoplasms. Identifiers: MedGen C0009405, MeSH D003123.

Submission:

Labcorp Genetics (formerly Invitae), Labcorp
Classification: Uncertain significance for Hereditary nonpolyposis colorectal neoplasms. Last evaluated: 2023-01-29. Review status: criteria provided, single submitter. Criteria: Invitae Variant Classification Sherloc (09022015). Collection method: clinical testing. Allele origin: germline.
Comment: In summary, the available evidence is currently insufficient to determine the role of this variant in disease. Therefore, it has been classified as a Variant of Uncertain Significance. Experimental studies and prediction algorithms are not available or were not evaluated, and the functional significance of this variant is currently unknown. This variant has not been reported in the literature in individuals affected with PMS2-related conditions. This variant is not present in population databases (gnomAD no frequency). This variant, c.299_301del, is a complex sequence change that results in the deletion of 2 and insertion of 1 amino acid(s) in the PMS2 protein (p.Gln100_Val101delinsLeu).